The following is an entry in ClinVar:

ClinVar aggregate classification (germline): Likely pathogenic (1 of 4 stars; one submission).

Conditions:
Neuronopathy, distal hereditary motor, autosomal recessive 5. Also called: NEUROPATHY, DISTAL HEREDITARY MOTOR, AUTOSOMAL RECESSIVE 5; Spinal muscular atrophy, distal, autosomal recessive, 5; Young adult-onset distal hereditary motor neuropathy. Identifiers: Orphanet 314485, Orphanet 443950, MedGen C4749918, MONDO:0013947, OMIM 614881.

Submission:

Kariminejad - Najmabadi Pathology & Genetics Center
Classification: Likely pathogenic for Neuronopathy, distal hereditary motor, autosomal recessive 5. Last evaluated: 2024-04-27. Review status: criteria provided, single submitter. Criteria: ACMG Guidelines, 2015. Collection method: clinical testing. Allele origin: germline. Inheritance: Autosomal recessive inheritance. Affected: yes.
Comment: [PVS1, PM2]

NM_006736.6(DNAJB2):c.446-1G>C

Gene: DNAJB2 (DnaJ heat shock protein family (Hsp40) member B2; plus strand). Cytogenetic location: 2q35.
Variant type: single nucleotide variant.
Coding change: c.446-1G>C on transcript NM_006736.6 (MANE Select); the canonical splice acceptor site of the intron before coding-DNA position 446, G replaced by C.
Molecular consequence: splice acceptor variant.
Genome position (GRCh38, 1-based): chr2:219,283,132, G>C. VCF-style: chr2-219283132-G-C. GRCh37 (hg19) VCF-style: chr2-220147854-G-C.
Other names: c.446-1G>C (NM_001039550.2).
Identifiers: ClinVar variation 3896845 (VCV003896845.1).